The following is an entry in ClinVar:

ClinVar aggregate classification (germline): Uncertain significance. Review status: criteria provided, multiple submitters, no conflicts (2 of 4 stars). 2 submissions from 2 submitters: Uncertain significance (2). Last evaluated 2025-08-13.

Conditions:
Familial cancer of breast. Also called: Hereditary breast cancer; hereditary breast carcinoma; BREAST CANCER, FAMILIAL. Identifiers: Orphanet 227535, MedGen C0346153, MONDO:0016419, OMIM 114480. Disease mechanism: loss of function.
Hereditary cancer-predisposing syndrome. Also called: Neoplastic Syndromes, Hereditary; Tumor predisposition; Hereditary neoplastic syndrome; Hereditary Cancer Syndrome. Identifiers: Orphanet 140162, MedGen C0027672, MeSH D009386, MONDO:0015356.

Allele frequency attached by ClinVar (database versions not stated): gnomAD exomes below 0.00001.

Submissions (2):

Labcorp Genetics (formerly Invitae), Labcorp
Classification: Uncertain significance for Familial cancer of breast. Last evaluated: 2025-08-13. Review status: criteria provided, single submitter. Criteria: Invitae Variant Classification Sherloc (09022015). Collection method: clinical testing. Allele origin: germline.
Comment: This sequence change falls in intron 9 of the BARD1 gene. It does not directly change the encoded amino acid sequence of the BARD1 protein. It affects a nucleotide within the consensus splice site. This variant is not present in population databases (gnomAD no frequency). This variant has not been reported in the literature in individuals affected with BARD1-related conditions. ClinVar contains an entry for this variant (Variation ID: 839819). Variants that disrupt the consensus splice site are a relatively common cause of aberrant splicing (PMID: 17576681, 9536098). Algorithms developed to predict the effect of sequence changes on RNA splicing suggest that this variant may disrupt the consensus splice site. In summary, the available evidence is currently insufficient to determine the role of this variant in disease. Therefore, it has been classified as a Variant of Uncertain Significance.

Ambry Genetics
Classification: Uncertain significance for Hereditary cancer-predisposing syndrome. Last evaluated: 2025-08-06. Review status: criteria provided, single submitter. Criteria: Ambry Variant Classification Scheme 2023. Collection method: clinical testing. Allele origin: germline.
Comment: The c.1903+2dupT intronic variant is located two nucleotides after coding exon 9 in the BARD1 gene. This variant results from a duplication of one nucleotide at nucleotide position 1903. This nucleotide position is highly conserved in available vertebrate species. In silico splice site analysis predicts that this alteration will weaken the native splice donor site; however, direct evidence is insufficient at this time (Ambry internal data). Since supporting evidence is limited at this time, the clinical significance of this alteration remains unclear.

Literature cited by the submitters: PubMed 17576681 (cited by Labcorp Genetics (formerly Invitae), Labcorp); PubMed 9536098 (cited by Labcorp Genetics (formerly Invitae), Labcorp).

NM_000465.4(BARD1):c.1903+2dup

Gene: BARD1 (BRCA1 associated RING domain 1; minus strand). Cytogenetic location: 2q35.
Variant type: Duplication.
Coding change: c.1903+2dup on transcript NM_000465.4 (MANE Select); the canonical splice donor site of the intron after coding-DNA position 1903, one base duplicated (T; older notation c.1903+2dupT).
Molecular consequence: splice donor variant. On other transcripts: intron variant (1).
Genome position (GRCh38, 1-based): chr2:214,745,065, A duplicated on the plus strand (T on the coding strand, the reverse complement: BARD1 is on the minus strand). VCF-style (leftmost placement, unchanged base first): chr2-214745064-T-TA. GRCh37 (hg19) VCF-style: chr2-215609788-T-TA.
Other names: c.493+2dup (NM_001282548.2); c.1846+2dup (NM_001282543.2); c.550+2dup (NM_001282545.2); c.365-14557dup (NM_001282549.2); c.1903+2dupT (NM_000465.2).
Identifiers: ClinVar variation 839819 (VCV000839819.11), dbSNP rs1693033415, ClinGen allele CA916082283.